The following is an entry in ClinVar:

NM_006254.4(PRKCD):c.1260+3G>T

Gene: PRKCD (protein kinase C delta; plus strand). Cytogenetic location: 3p21.1.
Variant type: single nucleotide variant.
Coding change: c.1260+3G>T on transcript NM_006254.4 (MANE Select); 3 bases into the intron after coding-DNA position 1260, G replaced by T.
Molecular consequence: intron variant.
Genome position (GRCh38, 1-based): chr3:53,186,343, G>T. VCF-style: chr3-53186343-G-T. GRCh37 (hg19) VCF-style: chr3-53220359-G-T.
Other names: c.1260+3G>T (NM_001354680.2, NM_001354679.2, NM_212539.2 and 1 more transcripts); c.1317+3G>T (NM_001354676.2); c.1308+3G>T (NM_001354678.2).
Identifiers: ClinVar variation 2099415 (VCV002099415.4), dbSNP rs2471099442, ClinGen allele CA2580070238.
Genomic context (GRCh38, chr3:53,186,343, plus strand): 5'-GACACTTGCCGCAGAGAATCCCTTTCTCACCCACCTCATCTGCACCTTCCAGACCAAGGT[G>T]CCCGGGCCTCCTGCCGTCACCACCCCATGCCACAGCCATGTCCCACAGCTCCTCAGCCCC-3'

ClinVar aggregate classification (germline): Uncertain significance (1 of 4 stars; one submission).

Conditions:
Autoimmune lymphoproliferative syndrome, type III caused by mutation in PRKCD. Identifiers: Orphanet 3261, Orphanet 664711, MedGen C3809928, MONDO:8000024, OMIM 615559.

Submission:

Labcorp Genetics (formerly Invitae), Labcorp
Classification: Uncertain significance for Autoimmune lymphoproliferative syndrome, type III caused by mutation in PRKCD. Last evaluated: 2022-02-19. Review status: criteria provided, single submitter. Criteria: Invitae Variant Classification Sherloc (09022015). Collection method: clinical testing. Allele origin: germline.
Comment: In summary, the available evidence is currently insufficient to determine the role of this variant in disease. Therefore, it has been classified as a Variant of Uncertain Significance. Variants that disrupt the consensus splice site are a relatively common cause of aberrant splicing (PMID: 17576681, 9536098). Algorithms developed to predict the effect of sequence changes on RNA splicing suggest that this variant may create or strengthen a splice site. This variant has not been reported in the literature in individuals affected with PRKCD-related conditions. This variant is not present in population databases (gnomAD no frequency). This sequence change falls in intron 13 of the PRKCD gene. It does not directly change the encoded amino acid sequence of the PRKCD protein. It affects a nucleotide within the consensus splice site.

Literature cited by the submitters: PubMed 17576681; PubMed 9536098.